The following is an entry in ClinVar:

NM_001122681.2(SH3BP2):c.323G>A (p.Trp108Ter)

Gene: SH3BP2 (SH3 domain binding protein 2; plus strand). Cytogenetic location: 4p16.3.
Variant type: single nucleotide variant.
Coding change: c.323G>A on transcript NM_001122681.2 (MANE Select); coding-DNA position 323, G replaced by A.
Protein change: p.Trp108Ter; replaces tryptophan 108 with a stop codon.
Molecular consequence: nonsense.
Genome position (GRCh38, 1-based): chr4:2,824,696, G>A. VCF-style: chr4-2824696-G-A. GRCh37 (hg19) VCF-style: chr4-2826423-G-A.
Other names: c.407G>A, p.Trp136Ter (NM_001145855.2); c.494G>A, p.Trp165Ter (NM_001145856.2); c.323G>A, p.Trp108Ter (NM_003023.4); short protein forms W165*, W108*, W136*.
Identifiers: ClinVar variation 4727973 (VCV004727973.1).

ClinVar aggregate classification (germline): Uncertain significance (1 of 4 stars; one submission).

Conditions:
Fibrous dysplasia of jaw (CRBM). Also called: Cherubism. Identifiers: Orphanet 184, MedGen C0008029, MONDO:0007315, OMIM 118400.

Submission:

Labcorp Genetics (formerly Invitae), Labcorp
Classification: Uncertain significance for Fibrous dysplasia of jaw. Last evaluated: 2025-09-28. Review status: criteria provided, single submitter. Criteria: Invitae Variant Classification Sherloc (09022015). Collection method: clinical testing. Allele origin: germline.
Comment: This sequence change creates a premature translational stop signal (p.Trp108*) in the SH3BP2 gene. It is expected to result in an absent or disrupted protein product. However, the current clinical and genetic evidence is not sufficient to establish whether loss-of-function variants in SH3BP2 cause disease. This variant is not present in population databases (gnomAD no frequency). This variant has not been reported in the literature in individuals affected with SH3BP2-related conditions. In summary, the available evidence is currently insufficient to determine the role of this variant in disease. Therefore, it has been classified as a Variant of Uncertain Significance.